The following is an entry in ClinVar:

NM_006231.4(POLE):c.5174-3C>T

Gene: POLE (DNA polymerase epsilon, catalytic subunit; minus strand). Cytogenetic location: 12q24.33.
Variant type: single nucleotide variant.
Coding change: c.5174-3C>T on transcript NM_006231.4 (MANE Select); 3 bases into the intron before coding-DNA position 5174, C replaced by T.
Molecular consequence: intron variant.
Genome position (GRCh38, 1-based): chr12:132,641,854, G>A on the plus strand (C>T on the coding strand, the complement: POLE is on the minus strand). VCF-style: chr12-132641854-G-A. GRCh37 (hg19) VCF-style: chr12-133218440-G-A.
Identifiers: ClinVar variation 240552 (VCV000240552.8), dbSNP rs878854881, ClinGen allele CA10582979.
Genomic context (GRCh38, chr12:132,641,854, plus strand): 5'-TGGTGAGACTGGAGAATGGTGTTGACGGCCAGGTTCTGAAGGTCCAGCTCCACACACACT[G>A]CACAGGAAGACGCCATGCTCAGCCAGCATCCTGCCAGCTCCAGCACCACCAGCCCCCTGG-3'

ClinVar aggregate classification (germline): Uncertain significance. Review status: criteria provided, multiple submitters, no conflicts (2 of 4 stars). 2 submissions from 2 submitters: Uncertain significance (2). Last evaluated 2025-12-15.

Conditions:
Hereditary cancer-predisposing syndrome. Also called: Tumor predisposition; Neoplastic Syndromes, Hereditary; Hereditary Cancer Syndrome; Hereditary neoplastic syndrome. Identifiers: Orphanet 140162, MedGen C0027672, MeSH D009386, MONDO:0015356.

Submissions (2):

Labcorp Genetics (formerly Invitae), Labcorp
Classification: Uncertain significance. Last evaluated: 2025-12-15. Review status: criteria provided, single submitter. Criteria: Invitae Variant Classification Sherloc (09022015). Collection method: clinical testing. Allele origin: germline.
Comment: This sequence change falls in intron 38 of the POLE gene. It does not directly change the encoded amino acid sequence of the POLE protein. It affects a nucleotide within the consensus splice site. This variant is not present in population databases (gnomAD no frequency). This variant has not been reported in the literature in individuals affected with POLE-related conditions. ClinVar contains an entry for this variant (Variation ID: 240552). Variants that disrupt the consensus splice site are a relatively common cause of aberrant splicing (PMID: 17576681, 9536098). Algorithms developed to predict the effect of sequence changes on RNA splicing suggest that this variant is not likely to affect RNA splicing. In summary, the available evidence is currently insufficient to determine the role of this variant in disease. Therefore, it has been classified as a Variant of Uncertain Significance.

Ambry Genetics
Classification: Uncertain significance for Hereditary cancer-predisposing syndrome. Last evaluated: 2025-01-21. Review status: criteria provided, single submitter. Criteria: Ambry Variant Classification Scheme 2023. Collection method: clinical testing. Allele origin: germline.
Comment: The c.5174-3C>T intronic variant results from a C to T substitution 3 nucleotides upstream from coding exon 39 in the POLE gene. This nucleotide position is highly conserved in available vertebrate species. In silico splice site analysis predicts that this alteration will not have any significant effect on splicing. Based on the available evidence, the clinical significance of this variant remains unclear.

Literature cited by the submitters: PubMed 17576681 (cited by Labcorp Genetics (formerly Invitae), Labcorp); PubMed 9536098 (cited by Labcorp Genetics (formerly Invitae), Labcorp).